The following is an entry in ClinVar:

NM_000562.3(C8A):c.131G>A (p.Trp44Ter)

Gene: C8A (complement C8 alpha chain; plus strand). Cytogenetic location: 1p32.2.
Variant type: single nucleotide variant.
Coding change: c.131G>A on transcript NM_000562.3 (MANE Select); coding-DNA position 131, G replaced by A.
Protein change: p.Trp44Ter; replaces tryptophan 44 with a stop codon.
Molecular consequence: nonsense.
Genome position (GRCh38, 1-based): chr1:56,867,662, G>A. VCF-style: chr1-56867662-G-A. GRCh37 (hg19) VCF-style: chr1-57333335-G-A.
Other names: short protein forms W44*.
Identifiers: ClinVar variation 2102582 (VCV002102582.4), dbSNP rs2522491093, ClinGen allele CA340510871.

ClinVar aggregate classification (germline): Pathogenic (1 of 4 stars; one submission).

Allele frequency attached by ClinVar (database versions not stated): gnomAD exomes below 0.00001.
gnomAD v4.1: 1 of 1,613,906 alleles (0.000062%); highest among the groups gnomAD compares: Non-Finnish European, 0.000085%; no homozygotes.

Submission:

Labcorp Genetics (formerly Invitae), Labcorp
Classification: Pathogenic. Last evaluated: 2023-10-25. Review status: criteria provided, single submitter. Criteria: Invitae Variant Classification Sherloc (09022015). Collection method: clinical testing. Allele origin: germline.
Comment: This sequence change creates a premature translational stop signal (p.Trp44*) in the C8A gene. It is expected to result in an absent or disrupted protein product. Loss-of-function variants in C8A are known to be pathogenic (PMID: 9759902). This variant is not present in population databases (gnomAD no frequency). This variant has not been reported in the literature in individuals affected with C8A-related conditions. ClinVar contains an entry for this variant (Variation ID: 2102582). For these reasons, this variant has been classified as Pathogenic.

Literature cited by the submitters: PubMed 9759902.